The following is an entry in ClinVar:

ClinVar aggregate classification (germline): Benign. Review status: criteria provided, multiple submitters, no conflicts (2 of 4 stars). 2 submissions from 2 submitters: Benign (2). Last evaluated 2018-06-20.

Allele frequency attached by ClinVar (database versions not stated): 1000 Genomes Project 30x 0.08260; 1000 Genomes Project 0.08446; TOPMed 0.10832; gnomAD 0.11794 and 0.11839; gnomAD exomes 0.14282.
gnomAD v4.1: 221,374 of 1,582,996 alleles (14%); highest among the groups gnomAD compares: Non-Finnish European, 15%; 16,488 homozygotes.

Submissions (2):

GeneDx
Classification: Benign. Last evaluated: 2018-06-20. Review status: criteria provided, single submitter. Criteria: GeneDx Variant Classification (06012015). Collection method: clinical testing. Allele origin: germline. Affected: yes.
Comment: This variant is considered likely benign or benign based on one or more of the following criteria: it is a conservative change, it occurs at a poorly conserved position in the protein, it is predicted to be benign by multiple in silico algorithms, and/or has population frequency not consistent with disease.

Breakthrough Genomics
Classification: Benign. Review status: criteria provided, single submitter. Criteria: ACMG Guidelines, 2015. Collection method: not provided. Allele origin: germline. Inheritance: Autosomal dominant inheritance. Affected: yes.

NM_022489.4(INF2):c.702-57G>A

Gene: INF2 (inverted formin 2; plus strand). Cytogenetic location: 14q32.33.
Variant type: single nucleotide variant.
Coding change: c.702-57G>A on transcript NM_022489.4 (MANE Select); 57 bases into the intron before coding-DNA position 702, G replaced by A.
Molecular consequence: intron variant.
Genome position (GRCh38, 1-based): chr14:104,705,978, G>A. VCF-style: chr14-104705978-G-A. GRCh37 (hg19) VCF-style: chr14-105172315-G-A.
Other names: c.702-57G>A (NM_001031714.4).
Identifiers: ClinVar variation 681909 (VCV000681909.2), dbSNP rs79559717, ClinGen allele CA14071957.